The following is an entry in ClinVar:

NM_001130987.2(DYSF):c.5450T>C (p.Ile1817Thr)

Gene: DYSF (dysferlin; plus strand). Cytogenetic location: 2p13.2.
Variant type: single nucleotide variant.
Coding change: c.5450T>C on transcript NM_001130987.2 (MANE Select); coding-DNA position 5450, T replaced by C.
Protein change: p.Ile1817Thr; replaces isoleucine 1817 with threonine.
Molecular consequence: missense variant.
Genome position (GRCh38, 1-based): chr2:71,667,508, T>C. VCF-style: chr2-71667508-T-C. GRCh37 (hg19) VCF-style: chr2-71894638-T-C.
Other names: c.5336T>C, p.Ile1779Thr (NM_001130455.2); c.5291T>C, p.Ile1764Thr (NM_001130976.2); c.5354T>C, p.Ile1785Thr (NM_001130977.2); c.5396T>C, p.Ile1799Thr (NM_001130978.2); c.5426T>C, p.Ile1809Thr (NM_001130979.2); c.5384T>C, p.Ile1795Thr (NM_001130980.2); c.5447T>C, p.Ile1816Thr (NM_001130981.2); c.5429T>C, p.Ile1810Thr (NM_001130982.2); and 5 more; short protein forms I1765T, I1778T, I1786T, I1796T, I1799T, I1809T, I1816T, I1810T.
Identifiers: ClinVar variation 1353166 (VCV001353166.5), dbSNP rs753632964, ClinGen allele CA1707365.
Genomic context (GRCh38, chr2:71,667,508, plus strand): 5'-AGGGCCTGGTCCCGGAGCACGTGGAGTCACGGCCCCTCTACAGCCCCCTGCAGCCAGACA[T>C]CGAGCAGGTAGGACCTTGACCCTTGGGTCCCAGAGTCCTCGAACTCCAGAAAGCCCCAAC-3'
Protein context (NP_001124459.1, residues 1807-1827): RPLYSPLQPD[Ile1817Thr]EQGKLQMWVD

ClinVar aggregate classification (germline): Uncertain significance (1 of 4 stars; one submission).

Conditions:
Neuromuscular disease caused by qualitative or quantitative defects of dysferlin. Also called: Qualitative or quantitative defects of dysferlin; Dysferlinopathy. Identifiers: Orphanet 207073, MedGen C2931687, MONDO:0016145.

Allele frequency attached by ClinVar (database versions not stated): ExAC 0.00001.
gnomAD v4.1: 4 of 1,614,062 alleles (0.00025%); highest among the groups gnomAD compares: Non-Finnish European, 0.00034%; no homozygotes.

Submission:

Labcorp Genetics (formerly Invitae), Labcorp
Classification: Uncertain significance for Neuromuscular disease caused by qualitative or quantitative defects of dysferlin. Last evaluated: 2021-08-24. Review status: criteria provided, single submitter. Criteria: Invitae Variant Classification Sherloc (09022015). Collection method: clinical testing. Allele origin: germline.
Comment: This sequence change replaces isoleucine with threonine at codon 1778 of the DYSF protein (p.Ile1778Thr). The isoleucine residue is highly conserved and there is a moderate physicochemical difference between isoleucine and threonine. This variant is present in population databases (rs753632964, ExAC 0.002%). This variant has not been reported in the literature in individuals affected with DYSF-related conditions. Algorithms developed to predict the effect of missense changes on protein structure and function are either unavailable or do not agree on the potential impact of this missense change (SIFT: "Deleterious"; PolyPhen-2: "Benign"; Align-GVGD: "Class C25"). In summary, the available evidence is currently insufficient to determine the role of this variant in disease. Therefore, it has been classified as a Variant of Uncertain Significance.